The following is an entry in ClinVar:

ClinVar aggregate classification (germline): Uncertain significance (1 of 4 stars; one submission).

Conditions:
ABCA7-related disorder. Also called: ABCA7-related condition.

Allele frequency attached by ClinVar (database versions not stated): gnomAD exomes below 0.00001; gnomAD 0.00001.

Submission:

PreventionGenetics, part of Exact Sciences
Classification: Uncertain significance for ABCA7-related condition. Last evaluated: 2025-09-09. Review status: criteria provided, single submitter. Criteria: ACMG Guidelines, 2015. Collection method: clinical testing. Allele origin: germline.
Comment: The ABCA7 c.3397_3403dup7 variant is predicted to result in a frameshift and premature protein termination (p.Ser1135Trpfs*68). To our knowledge, this variant has not been reported in the literature or in a large population database (gnomAD), indicating this variant is rare. Loss of function is not an established mechanism of ABCA7-related disease. Although we suspect that this variant may be pathogenic, at this time, the clinical significance of this variant is uncertain due to the absence of conclusive functional and genetic evidence.

NM_019112.4(ABCA7):c.3397_3403dup (p.Ser1135fs)

Gene: ABCA7 (ATP binding cassette subfamily A member 7; plus strand). Cytogenetic location: 19p13.3.
Variant type: Duplication.
Coding change: c.3397_3403dup on transcript NM_019112.4 (MANE Select); coding-DNA positions 3397 to 3403, 7 bases duplicated (GGGATCT; older notation c.3397_3403dupGGGATCT).
Protein change: p.Ser1135fs; shifts the reading frame from serine 1135.
Molecular consequence: frameshift variant.
Genome position (GRCh38, 1-based): chr19:1,053,505-1,053,511, GGGATCT duplicated. VCF-style (leftmost placement, unchanged base first): chr19-1053504-C-CGGGATCT. GRCh37 (hg19) VCF-style: chr19-1053503-C-CGGGATCT.
Other names: short protein forms S1135fs.
Identifiers: ClinVar variation 2632249 (VCV002632249.2), dbSNP rs2041967070, ClinGen allele CA992482471.
Genomic context (GRCh38, chr19:1,053,504, plus strand): 5'-CTTCGCCACACTCTTCCGAGAGCTAGACACGCGGCTGGCGGAGCTGAGGCTCACTGGCTA[C>CGGGATCT]GGGATCTCCGACACCAGCCTCGAGGAGGTGTGAGGCCTGGGTGGTGGTGAGGTGGGGCCA-3'